The following is an entry in ClinVar:

NM_000443.4(ABCB4):c.2202dup (p.Ile735fs)

Gene: ABCB4 (ATP binding cassette subfamily B member 4; minus strand). Cytogenetic location: 7q21.12.
Variant type: Duplication.
Coding change: c.2202dup on transcript NM_000443.4 (MANE Select); coding-DNA position 2202, one base duplicated (G; older notation c.2202dupG).
Protein change: p.Ile735fs; shifts the reading frame from isoleucine 735.
Molecular consequence: frameshift variant.
Genome position (GRCh38, 1-based): chr7:87,423,915, C duplicated on the plus strand (G on the coding strand, the reverse complement: ABCB4 is on the minus strand). VCF-style (leftmost placement, unchanged base first): chr7-87423914-T-TC. GRCh37 (hg19) VCF-style: chr7-87053230-T-TC.
Other names: c.2202dup, p.Ile735fs (NM_018849.3, NM_018850.3); short protein forms I735fs.
Identifiers: ClinVar variation 4846510 (VCV004846510.1).

ClinVar aggregate classification (germline): Pathogenic (1 of 4 stars; one submission).

Conditions:
Familial intrahepatic cholestasis. Identifiers: Orphanet 284385, MedGen CN296401, MONDO:0017290.

Submission:

Genomenon, Inc
Classification: Pathogenic for Familial intrahepatic cholestasis. Last evaluated: 2026-04-14. Review status: criteria provided, single submitter. Criteria: Genomenon Sequence Variant Interpretation Standards - Updated. Collection method: curation. Allele origin: germline. Affected: yes.
Comment: ABCB4 p.Ile735AspfsTer10 (c.2202dup) is a frameshift variant that results in the production of a truncated protein which is predicted to undergo nonsense-mediated mRNA decay. This variant has been observed in at least one proband with an ABCB4-related disorder (PMID:37701337). The variant was found to segregate with disease in at least one affected family (PMID:37701337). It is absent or not present at a significant frequency in gnomAD. In conclusion, we classify ABCB4 p.Ile735AspfsTer10 (c.2202dup) as a pathogenic variant.

Literature cited by the submitters: PubMed 37701337.